The following is an entry in ClinVar:

ClinVar aggregate classification (germline): Uncertain significance. Review status: criteria provided, multiple submitters, no conflicts (2 of 4 stars). 2 submissions from 2 submitters: Uncertain significance (2). Last evaluated 2024-06-24.

Conditions:
Ovarian cancer. Also called: OVARIAN CANCER, SOMATIC. Identifiers: Orphanet 213500, MedGen C1140680, MONDO:0008170, OMIM 167000.
Lung cancer. Also called: Lung cancer, somatic; Malignant tumor of lung. Identifiers: MedGen C0242379, MONDO:0008903, OMIM 211980.
Visceral neuropathy, familial, 2, autosomal recessive. Identifiers: MedGen C5561950, MONDO:0030399, OMIM 619465.
Glioma susceptibility 1 (GLM1). Also called: Glioblastoma, somatic. Identifiers: MedGen C2750850, MONDO:0024498, OMIM 137800.
Gastric cancer. Also called: Stomach cancer; Malignant tumor of stomach. Identifiers: MedGen C0024623, MeSH D013274, MONDO:0001056, OMIM 613659, HP:0012126.

Allele frequency attached by ClinVar (database versions not stated): ExAC 0.00006; gnomAD 0.00001; TOPMed 0.00003; gnomAD exomes 0.00004.
gnomAD v4.1: 29 of 1,612,430 alleles (0.0018%); highest among the groups gnomAD compares: Admixed American, 0.01%; no homozygotes.

Submissions (2):

Labcorp Genetics (formerly Invitae), Labcorp
Classification: Uncertain significance. Last evaluated: 2024-06-24. Review status: criteria provided, single submitter. Criteria: Invitae Variant Classification Sherloc (09022015). Collection method: clinical testing. Allele origin: germline.
Comment: This sequence change replaces lysine, which is basic and polar, with methionine, which is neutral and non-polar, at codon 591 of the ERBB2 protein (p.Lys591Met). This variant is present in population databases (rs767216520, gnomAD 0.07%), and has an allele count higher than expected for a pathogenic variant. This variant has not been reported in the literature in individuals affected with ERBB2-related conditions. ClinVar contains an entry for this variant (Variation ID: 953664). Advanced modeling of protein sequence and biophysical properties (such as structural, functional, and spatial information, amino acid conservation, physicochemical variation, residue mobility, and thermodynamic stability) performed at Invitae indicates that this missense variant is not expected to disrupt ERBB2 protein function with a negative predictive value of 80%. In summary, the available evidence is currently insufficient to determine the role of this variant in disease. Therefore, it has been classified as a Variant of Uncertain Significance.

Fulgent Genetics
Classification: Uncertain significance for Glioma susceptibility 1; Ovarian cancer; Lung cancer; Gastric cancer; Visceral neuropathy, familial, 2, autosomal recessive. Last evaluated: 2024-01-10. Review status: criteria provided, single submitter. Criteria: ACMG Guidelines, 2015. Collection method: clinical testing. Allele origin: germline.

NM_004448.4(ERBB2):c.1772A>T (p.Lys591Met)

Gene: ERBB2 (erb-b2 receptor tyrosine kinase 2; plus strand). Cytogenetic location: 17q12.
Variant type: single nucleotide variant.
Coding change: c.1772A>T on transcript NM_004448.4 (MANE Select); coding-DNA position 1772, A replaced by T.
Protein change: p.Lys591Met; replaces lysine 591 with methionine.
Molecular consequence: missense variant. On other transcripts: non-coding transcript variant (1), intron variant (1).
Genome position (GRCh38, 1-based): chr17:39,717,354, A>T. VCF-style: chr17-39717354-A-T. GRCh37 (hg19) VCF-style: chr17-37873607-A-T.
Other names: c.1772A>T, p.Lys591Met (NM_001382793.1, NM_001382794.1, NM_001382795.1 and 9 more transcripts); c.1592A>T, p.Lys531Met (NM_001382799.1); c.1514A>T, p.Lys505Met (NM_001382802.1); c.944A>T, p.Lys315Met (NM_001382804.1); c.1222+1995A>T (NM_001382806.1); c.1682A>T, p.Lys561Met (NM_001005862.3, NM_001289938.2, NM_001382782.1 and 1 more transcripts); c.1727A>T, p.Lys576Met (NM_001289936.2); c.1889A>T, p.Lys630Met (NM_001382784.1, NM_001382786.1); and 6 more; short protein forms K505M, K588M, K630M, K531M, K590M, K601M, K625M, K315M.
Identifiers: ClinVar variation 953664 (VCV000953664.10), dbSNP rs767216520, ClinGen allele CA8534109.
Genomic context (GRCh38, chr17:39,717,354, plus strand): 5'-CCACAAATCTTTTCTGCCCCCCCCAGGAGGCTGACCAGTGTGTGGCCTGTGCCCACTATA[A>T]GGACCCTCCCTTCTGCGTGGCCCGCTGCCCCAGCGGTGTGAAACCTGACCTCTCCTACAT-3'
Protein context (NP_004439.2, residues 581-601): ADQCVACAHY[Lys591Met]DPPFCVARCP